The following is an entry in ClinVar:

ClinVar aggregate classification (germline): Uncertain significance (1 of 4 stars; one submission).

Conditions:
Inflammatory bowel disease 28. Also called: Inflammatory bowel disease 28, early onset, autosomal recessive. Identifiers: Orphanet 238569, MedGen C2751053, MONDO:0013153, OMIM 613148.

Allele frequency attached by ClinVar (database versions not stated): gnomAD exomes below 0.00001; TOPMed below 0.00001.
gnomAD v4.1: 2 of 1,614,176 alleles (0.00012%); highest among the groups gnomAD compares: Non-Finnish European, 0.00017%; no homozygotes.

Submission:

Labcorp Genetics (formerly Invitae), Labcorp
Classification: Uncertain significance for Inflammatory bowel disease 28. Last evaluated: 2022-08-16. Review status: criteria provided, single submitter. Criteria: Invitae Variant Classification Sherloc (09022015). Collection method: clinical testing. Allele origin: germline.
Comment: In summary, the available evidence is currently insufficient to determine the role of this variant in disease. Therefore, it has been classified as a Variant of Uncertain Significance. Algorithms developed to predict the effect of missense changes on protein structure and function are either unavailable or do not agree on the potential impact of this missense change (SIFT: "Tolerated"; PolyPhen-2: "Possibly Damaging"; Align-GVGD: "Class C0"). This variant has not been reported in the literature in individuals affected with IL10RA-related conditions. This variant is not present in population databases (gnomAD no frequency). This sequence change replaces serine, which is neutral and polar, with arginine, which is basic and polar, at codon 282 of the IL10RA protein (p.Ser282Arg).

NM_001558.4(IL10RA):c.846C>A (p.Ser282Arg)

Gene: IL10RA (interleukin 10 receptor subunit alpha; plus strand). Cytogenetic location: 11q23.3.
Variant type: single nucleotide variant.
Coding change: c.846C>A on transcript NM_001558.4 (MANE Select); coding-DNA position 846, C replaced by A.
Protein change: p.Ser282Arg; replaces serine 282 with arginine.
Molecular consequence: missense variant. On other transcripts: non-coding transcript variant (1).
Genome position (GRCh38, 1-based): chr11:117,998,750, C>A. VCF-style: chr11-117998750-C-A. GRCh37 (hg19) VCF-style: chr11-117869465-C-A.
Other names: short protein forms S282R.
Identifiers: ClinVar variation 1932511 (VCV001932511.4), dbSNP rs2058071721, ClinGen allele CA382778722.
Genomic context (GRCh38, chr11:117,998,750, plus strand): 5'-TCTCACTCTGCCCTCTCTTCCCCAGCTCTTCAAGAAGCCCAGCCCCTTCATCTTCATCAG[C>A]CAGCGTCCCTCCCCAGAGACCCAAGACACCATCCACCCGCTTGATGAGGAGGCCTTTTTG-3'
Protein context (NP_001549.2, residues 272-292): FKKPSPFIFI[Ser282Arg]QRPSPETQDT